The following is an entry in ClinVar:

NM_017763.6(RNF43):c.1235A>G (p.Tyr412Cys)

Gene: RNF43 (ring finger protein 43; minus strand). Cytogenetic location: 17q22.
Variant type: single nucleotide variant.
Coding change: c.1235A>G on transcript NM_017763.6 (MANE Select); coding-DNA position 1235, A replaced by G.
Protein change: p.Tyr412Cys; replaces tyrosine 412 with cysteine.
Molecular consequence: missense variant.
Genome position (GRCh38, 1-based): chr17:58,358,541, T>C on the plus strand (A>G on the coding strand, the complement: RNF43 is on the minus strand). VCF-style: chr17-58358541-T-C. GRCh37 (hg19) VCF-style: chr17-56435902-T-C.
Other names: c.1235A>G, p.Tyr412Cys (NM_001305544.3); c.854A>G, p.Tyr285Cys (NM_001305545.2); short protein forms Y285C, Y412C.
Identifiers: ClinVar variation 3369821 (VCV003369821.2).
Genomic context (GRCh38, chr17:58,358,541, plus strand): 5'-GGGCAAGCAGCAGGGTGCTGTGAGGTGGATTGGAGGTGGCTCAGTCCCCAGCCTTGTGCA[T>C]AGGGGTGCTGGGCTCCTGCCAGGCGCTGCTGCTCTCCTGGAGCCCGGGGATGTGCAGCTC-3'
Protein context (NP_060233.3, residues 402-422): QQRLAGAQHP[Tyr412Cys]AQGWGLSHLQ

ClinVar aggregate classification (germline): Uncertain significance. Review status: criteria provided, multiple submitters, no conflicts (2 of 4 stars). 2 submissions from 2 submitters: Uncertain significance (2). Last evaluated 2025-08-11.

gnomAD v4.1: 2 of 1,612,674 alleles (0.00012%); highest among the groups gnomAD compares: Non-Finnish European, 0.00017%; no homozygotes.

Submissions (2):

Ambry Genetics
Classification: Uncertain significance. Last evaluated: 2025-08-11. Review status: criteria provided, single submitter. Criteria: Ambry Variant Classification Scheme 2023. Collection method: clinical testing. Allele origin: germline.
Comment: The p.Y412C variant (also known as c.1235A>G), located in coding exon 8 of the RNF43 gene, results from an A to G substitution at nucleotide position 1235. The tyrosine at codon 412 is replaced by cysteine, an amino acid with highly dissimilar properties. This amino acid position is conserved. In addition, this alteration is predicted to be tolerated by in silico analysis. Based on the available evidence, the clinical significance of this variant remains unclear.

GeneDx
Classification: Uncertain significance. Last evaluated: 2024-02-26. Review status: criteria provided, single submitter. Criteria: GeneDx Variant Classification Process June 2021. Collection method: clinical testing. Allele origin: germline. Affected: yes.
Comment: Not observed at significant frequency in large population cohorts (gnomAD); In silico analysis supports that this missense variant has a deleterious effect on protein structure/function; Has not been previously published as pathogenic or benign to our knowledge; Variants in candidate genes are classified as variants of uncertain significance in accordance with ACMG guidelines (PMID: 25741868)